The following is an entry in ClinVar:

NM_003126.4(SPTA1):c.6842+5G>A

Gene: SPTA1 (spectrin alpha, erythrocytic 1; minus strand). Cytogenetic location: 1q23.1.
Variant type: single nucleotide variant.
Coding change: c.6842+5G>A on transcript NM_003126.4 (MANE Select); 5 bases into the intron after coding-DNA position 6842, G replaced by A.
Molecular consequence: intron variant.
Genome position (GRCh38, 1-based): chr1:158,614,248, C>T on the plus strand (G>A on the coding strand, the complement: SPTA1 is on the minus strand). VCF-style: chr1-158614248-C-T. GRCh37 (hg19) VCF-style: chr1-158584038-C-T.
Identifiers: ClinVar variation 4765839 (VCV004765839.1).
Genomic context (GRCh38, chr1:158,614,248, plus strand): 5'-ATTTGTAGACTCATTCTGAATAATCTGAAAAACAAAGAAGCAGTTAACTATGAAATTATA[C>T]TCACTTATAGATTGTGCTAAATTCCTTTAGAGTCTCTTCACTCACACCTTTGATGTCCCT-3'

ClinVar aggregate classification (germline): Uncertain significance (1 of 4 stars; one submission).

gnomAD v4.1: 3 of 1,576,230 alleles (0.00019%); highest among the groups gnomAD compares: Non-Finnish European, 0.00026%; no homozygotes.

Submission:

Labcorp Genetics (formerly Invitae), Labcorp
Classification: Uncertain significance. Last evaluated: 2026-01-07. Review status: criteria provided, single submitter. Criteria: Invitae Variant Classification Sherloc (09022015). Collection method: clinical testing. Allele origin: germline.
Comment: This sequence change falls in intron 49 of the SPTA1 gene. It does not directly change the encoded amino acid sequence of the SPTA1 protein. It affects a nucleotide within the consensus splice site. This variant is present in population databases (no rsID available, gnomAD 0.002%). This variant has not been reported in the literature in individuals affected with SPTA1-related conditions. Variants that disrupt the consensus splice site are a relatively common cause of aberrant splicing (PMID: 17576681, 9536098). Algorithms developed to predict the effect of sequence changes on RNA splicing suggest that this variant may disrupt the consensus splice site. In summary, the available evidence is currently insufficient to determine the role of this variant in disease. Therefore, it has been classified as a Variant of Uncertain Significance.

Literature cited by the submitters: PubMed 17576681; PubMed 9536098.